The following is an entry in ClinVar:

NM_020461.4(TUBGCP6):c.1870A>T (p.Ile624Phe)

Gene: TUBGCP6 (tubulin gamma complex component 6; minus strand). Cytogenetic location: 22q13.33.
Variant type: single nucleotide variant.
Coding change: c.1870A>T on transcript NM_020461.4 (MANE Select); coding-DNA position 1870, A replaced by T.
Protein change: p.Ile624Phe; replaces isoleucine 624 with phenylalanine.
Molecular consequence: missense variant.
Genome position (GRCh38, 1-based): chr22:50,225,907, T>A on the plus strand (A>T on the coding strand, the complement: TUBGCP6 is on the minus strand). VCF-style: chr22-50225907-T-A. GRCh37 (hg19) VCF-style: chr22-50664336-T-A.
Other names: short protein forms I624F.
Identifiers: ClinVar variation 1955997 (VCV001955997.5), dbSNP rs750360557, ClinGen allele CA10308469.

ClinVar aggregate classification (germline): Uncertain significance (1 of 4 stars; one submission).

Allele frequency attached by ClinVar (database versions not stated): gnomAD exomes below 0.00001; ExAC 0.00001.
gnomAD v4.1: 1 of 1,613,140 alleles (0.000062%); highest among the groups gnomAD compares: Non-Finnish European, 0.000085%; no homozygotes.

Submission:

Labcorp Genetics (formerly Invitae), Labcorp
Classification: Uncertain significance. Last evaluated: 2022-04-25. Review status: criteria provided, single submitter. Criteria: Invitae Variant Classification Sherloc (09022015). Collection method: clinical testing. Allele origin: germline.
Comment: In summary, the available evidence is currently insufficient to determine the role of this variant in disease. Therefore, it has been classified as a Variant of Uncertain Significance. Algorithms developed to predict the effect of missense changes on protein structure and function are either unavailable or do not agree on the potential impact of this missense change (SIFT: "Tolerated"; PolyPhen-2: "Probably Damaging"; Align-GVGD: "Class C0"). This variant has not been reported in the literature in individuals affected with TUBGCP6-related conditions. This variant is present in population databases (rs750360557, gnomAD 0.003%). This sequence change replaces isoleucine, which is neutral and non-polar, with phenylalanine, which is neutral and non-polar, at codon 624 of the TUBGCP6 protein (p.Ile624Phe).